The following is an entry in ClinVar:

NM_000426.4(LAMA2):c.4437-5T>A

Gene: LAMA2 (laminin subunit alpha 2; plus strand). Cytogenetic location: 6q22.33.
Variant type: single nucleotide variant.
Coding change: c.4437-5T>A on transcript NM_000426.4 (MANE Select); 5 bases into the intron before coding-DNA position 4437, T replaced by A.
Molecular consequence: intron variant.
Genome position (GRCh38, 1-based): chr6:129,349,293, T>A. VCF-style: chr6-129349293-T-A. GRCh37 (hg19) VCF-style: chr6-129670438-T-A.
Other names: p.?; c.4437-5T>A (NM_001079823.2).
Identifiers: ClinVar variation 92958 (VCV000092958.60), dbSNP rs41285288, ClinGen allele CA146122.

ClinVar aggregate classification (germline): Benign/Likely benign. Review status: criteria provided, multiple submitters, no conflicts (2 of 4 stars). 14 submissions from 14 submitters: Benign (8); Likely benign (4). 2 of the submissions do not count toward it. Last evaluated 2026-07-01.

Conditions:
LAMA2-related muscular dystrophy (LAMA2-RD). Also called: Laminin alpha 2-related dystrophy. Identifiers: MedGen C5679788, MONDO:0100228.
Congenital muscular dystrophy due to partial LAMA2 deficiency. Identifiers: MedGen C1842898.

Allele frequency attached by ClinVar (database versions not stated): 1000 Genomes Project 0.00280; 1000 Genomes Project 30x 0.00312; TOPMed 0.00542; gnomAD 0.00547 and 0.00557; ExAC 0.00573; gnomAD exomes 0.00581 and 0.00836; ESP Exome Variant Server 0.00707.
gnomAD v4.1: 13,227 of 1,611,536 alleles (0.82%); highest among the groups gnomAD compares: Middle Eastern, 1.2%; 78 homozygotes.

Submissions (14):

CeGaT Center for Human Genetics Tuebingen
Classification: Benign. Last evaluated: 2026-07-01. Review status: criteria provided, single submitter. Criteria: CeGaT Center For Human Genetics Tuebingen Variant Classification Criteria Version 2. Collection method: clinical testing. Allele origin: germline. Affected: yes. Observed: 38 variant alleles.
Comment: LAMA2: BP4, BS1, BS2

Labcorp Genetics (formerly Invitae), Labcorp
Classification: Benign for LAMA2-related muscular dystrophy. Last evaluated: 2026-02-04. Review status: criteria provided, single submitter. Criteria: Invitae Variant Classification Sherloc (09022015). Collection method: clinical testing. Allele origin: germline.

Blueprint Genetics
Classification: Likely benign. Last evaluated: 2024-11-26. Review status: criteria provided, single submitter. Criteria: ACMG Guidelines, 2015. Collection method: clinical testing. Allele origin: germline.

Athena Diagnostics
Classification: Benign. Last evaluated: 2021-06-25. Review status: criteria provided, single submitter. Criteria: Athena Diagnostics criteria. Collection method: clinical testing. Allele origin: unknown.

Mayo Clinic Laboratories, Mayo Clinic
Classification: Benign. Last evaluated: 2018-04-04. Review status: criteria provided, single submitter. Criteria: ACMG Guidelines, 2015. Collection method: clinical testing. Allele origin: germline. Observed: 56 variant alleles.

Illumina Laboratory Services, Illumina
Classification: Likely benign for Congenital muscular dystrophy due to partial LAMA2 deficiency. Last evaluated: 2018-01-13. Review status: criteria provided, single submitter. Criteria: ICSL Variant Classification Criteria 13 December 2019. Collection method: clinical testing. Allele origin: germline.
Comment: This variant was observed in the ICSL laboratory as part of a predisposition screen in an ostensibly healthy population. It had not been previously curated by ICSL or reported in the Human Gene Mutation Database (HGMD: prior to June 1st, 2018), and was therefore a candidate for classification through an automated scoring system. Utilizing variant allele frequency, disease prevalence and penetrance estimates, and inheritance mode, an automated score was calculated to assess if this variant is too frequent to cause the disease. Based on the score and internal cut-off values, a variant classified as likely benign is not then subjected to further curation. The score for this variant resulted in a classification of likely benign for this disease.

Center for Pediatric Genomic Medicine, Children's Mercy Hospital and Clinics
Classification: Likely benign. Last evaluated: 2017-09-18. Review status: criteria provided, single submitter. Criteria: ACMG Guidelines, 2015. Collection method: clinical testing. Allele origin: germline.

Institute for Genomic Medicine (IGM) Clinical Laboratory, Nationwide Children's Hospital
Classification: Benign. Last evaluated: 2017-09-06. Review status: criteria provided, single submitter. Criteria: ACMG Guidelines, 2015. Collection method: clinical testing. Allele origin: germline.
Comment: BS1, BS2, BP6; This alteration has an allele frequency that is greater than expected for the associated disease, was seen in a healthy adult where full penetrance of the disorder is expected at an early age, and was reported as a benign/likely benign alteration by a reputable source (ClinVar or other correspondence from a clinical testing laboratory).

GeneDx
Classification: Benign. Last evaluated: 2016-03-04. Review status: criteria provided, single submitter. Criteria: GeneDx Variant Classification (06012015). Collection method: clinical testing. Allele origin: germline. Affected: yes.
Comment: This variant is considered likely benign or benign based on one or more of the following criteria: it is a conservative change, it occurs at a poorly conserved position in the protein, it is predicted to be benign by multiple in silico algorithms, and/or has population frequency not consistent with disease.

Eurofins Ntd Llc (ga)
Classification: Benign. Last evaluated: 2013-04-17. Review status: criteria provided, single submitter. Criteria: EGL Classification Definitions 2015. Collection method: clinical testing. Allele origin: germline. Observed: 2 variant alleles, 2 heterozygotes.

Breakthrough Genomics
Classification: Likely benign. Review status: criteria provided, single submitter. Criteria: ACMG Guidelines, 2015. Collection method: not provided. Allele origin: germline. Inheritance: Autosomal recessive inheritance. Affected: yes.

PreventionGenetics, part of Exact Sciences
Classification: Benign. Review status: criteria provided, single submitter. Criteria: ACMG Guidelines, 2015. Collection method: clinical testing. Allele origin: germline.

Clinical Genetics DNA and cytogenetics Diagnostics Lab, Erasmus MC, Erasmus Medical Center
Classification: Benign. Review status: no assertion criteria provided. Collection method: clinical testing. Allele origin: germline. Affected: yes. Study: VKGL Data-share Consensus. Not counted in ClinVar's aggregate classification.

Laboratory of Diagnostic Genome Analysis, Leiden University Medical Center (LUMC)
Classification: Likely benign. Review status: no assertion criteria provided. Collection method: clinical testing. Allele origin: germline. Affected: yes. Study: VKGL Data-share Consensus. Not counted in ClinVar's aggregate classification.